The following is an entry in ClinVar:

NM_032043.3(BRIP1):c.95T>A (p.Ile32Asn)

Gene: BRIP1 (BRCA1 interacting DNA helicase 1; minus strand). Cytogenetic location: 17q23.2.
Variant type: single nucleotide variant.
Coding change: c.95T>A on transcript NM_032043.3 (MANE Select); coding-DNA position 95, T replaced by A.
Protein change: p.Ile32Asn; replaces isoleucine 32 with asparagine.
Molecular consequence: missense variant.
Genome position (GRCh38, 1-based): chr17:61,859,906, A>T on the plus strand (T>A on the coding strand, the complement: BRIP1 is on the minus strand). VCF-style: chr17-61859906-A-T. GRCh37 (hg19) VCF-style: chr17-59937267-A-T.
Other names: short protein forms I32N.
Identifiers: ClinVar variation 3759045 (VCV003759045.2).

ClinVar aggregate classification (germline): Uncertain significance (1 of 4 stars; one submission).

Conditions:
Fanconi anemia complementation group J. Also called: BRIP1-Related Fanconi Anemia. Identifiers: Orphanet 84, MedGen C1836860, MONDO:0012187, OMIM 609054.
Familial cancer of breast. Also called: BREAST CANCER, FAMILIAL; Hereditary breast cancer; hereditary breast carcinoma. Identifiers: Orphanet 227535, MedGen C0346153, MONDO:0016419, OMIM 114480. Disease mechanism: loss of function.

Submission:

Labcorp Genetics (formerly Invitae), Labcorp
Classification: Uncertain significance for Familial cancer of breast; Fanconi anemia complementation group J. Last evaluated: 2024-10-27. Review status: criteria provided, single submitter. Criteria: Invitae Variant Classification Sherloc (09022015). Collection method: clinical testing. Allele origin: germline.
Comment: This sequence change replaces isoleucine, which is neutral and non-polar, with asparagine, which is neutral and polar, at codon 32 of the BRIP1 protein (p.Ile32Asn). This variant is not present in population databases (gnomAD no frequency). This variant has not been reported in the literature in individuals affected with BRIP1-related conditions. Invitae Evidence Modeling of protein sequence and biophysical properties (such as structural, functional, and spatial information, amino acid conservation, physicochemical variation, residue mobility, and thermodynamic stability) indicates that this missense variant is expected to disrupt BRIP1 protein function with a positive predictive value of 95%. In summary, the available evidence is currently insufficient to determine the role of this variant in disease. Therefore, it has been classified as a Variant of Uncertain Significance.